The following is an entry in ClinVar:

ClinVar aggregate classification (germline): Pathogenic (1 of 4 stars; one submission).

Conditions:
Progressive sclerosing poliodystrophy (MTDPS4A). Also called: Mitochondrial DNA depletion syndrome 4A (Alpers type); ALPERS PROGRESSIVE INFANTILE POLIODYSTROPHY; NEURONAL DEGENERATION OF CHILDHOOD WITH LIVER DISEASE, PROGRESSIVE; Alpers Syndrome; ALPERS DIFFUSE DEGENERATION OF CEREBRAL GRAY MATTER WITH HEPATIC CIRRHOSIS; Alpers-Huttenlocher Syndrome. Identifiers: Orphanet 726, MedGen C0205710, MONDO:0008758, OMIM 203700.

Submission:

Labcorp Genetics (formerly Invitae), Labcorp
Classification: Pathogenic for Progressive sclerosing poliodystrophy. Last evaluated: 2025-09-18. Review status: criteria provided, single submitter. Criteria: Invitae Variant Classification Sherloc (09022015). Collection method: clinical testing. Allele origin: germline.
Comment: This sequence change creates a premature translational stop signal (p.Ala194Glyfs*50) in the POLG gene. It is expected to result in an absent or disrupted protein product. Loss-of-function variants in POLG are known to be pathogenic (PMID: 18546365). This variant is not present in population databases (gnomAD no frequency). This variant has not been reported in the literature in individuals affected with POLG-related conditions. For these reasons, this variant has been classified as Pathogenic.

Literature cited by the submitters: PubMed 18546365.

NM_002693.3(POLG):c.580dup (p.Ala194fs)

Genes: POLG (DNA polymerase gamma, catalytic subunit; minus strand), POLGARF (POLG alternative reading frame; minus strand). Cytogenetic location: 15q26.1.
Variant type: Duplication.
Coding change: c.580dup on transcript NM_002693.3 (MANE Select); coding-DNA position 580, one base duplicated (G; older notation c.580dupG).
Protein change: p.Ala194fs; shifts the reading frame from alanine 194.
Molecular consequence: frameshift variant.
Genome position (GRCh38, 1-based): chr15:89,333,175, C duplicated on the plus strand (G on the coding strand, the reverse complement: POLG is on the minus strand); the first of 3 consecutive C bases (chr15:89,333,175-89,333,177); duplicating any one gives the same sequence. VCF-style (leftmost placement, unchanged base first): chr15-89333174-G-GC. GRCh37 (hg19) VCF-style: chr15-89876405-G-GC.
Other names: c.635dup, p.Gly214fs (NM_001430120.1); c.580dup, p.Ala194fs (NM_001126131.2); short protein forms A194fs, G214fs.
Identifiers: ClinVar variation 4727129 (VCV004727129.1).